The following is an entry in ClinVar:

ClinVar aggregate classification (germline): Uncertain significance. Review status: criteria provided, multiple submitters, no conflicts (2 of 4 stars). 3 submissions from 3 submitters: Uncertain significance (3). Last evaluated 2024-03-03.

Allele frequency attached by ClinVar (database versions not stated): gnomAD exomes 0.00002; ExAC 0.00003; TOPMed 0.00007; ESP Exome Variant Server 0.00008; gnomAD 0.00009 and 0.00010; 1000 Genomes Project 30x 0.00016; 1000 Genomes Project 0.00020.
gnomAD v4.1: 40 of 1,613,862 alleles (0.0025%); highest among the groups gnomAD compares: African/African-American, 0.019%; no homozygotes.

Submissions (3):

Labcorp Genetics (formerly Invitae), Labcorp
Classification: Uncertain significance. Last evaluated: 2024-03-03. Review status: criteria provided, single submitter. Criteria: Invitae Variant Classification Sherloc (09022015). Collection method: clinical testing. Allele origin: germline.
Comment: This sequence change replaces threonine, which is neutral and polar, with methionine, which is neutral and non-polar, at codon 2465 of the ITPR1 protein (p.Thr2465Met). This variant is present in population databases (rs373614009, gnomAD 0.02%). This missense change has been observed in individual(s) with autism spectrum disorder (PMID: 30564305). ClinVar contains an entry for this variant (Variation ID: 1193046). Advanced modeling of protein sequence and biophysical properties (such as structural, functional, and spatial information, amino acid conservation, physicochemical variation, residue mobility, and thermodynamic stability) performed at Invitae indicates that this missense variant is not expected to disrupt ITPR1 protein function with a negative predictive value of 95%. In summary, the available evidence is currently insufficient to determine the role of this variant in disease. Therefore, it has been classified as a Variant of Uncertain Significance.

Athena Diagnostics
Classification: Uncertain significance. Last evaluated: 2021-07-16. Review status: criteria provided, single submitter. Criteria: Athena Diagnostics Criteria. Collection method: clinical testing. Allele origin: unknown.

GeneDx
Classification: Uncertain significance. Last evaluated: 2021-05-18. Review status: criteria provided, single submitter. Criteria: GeneDx Variant Classification Process June 2021. Collection method: clinical testing. Allele origin: germline. Affected: yes.
Comment: Previously reported in an individual with autism, however additional clinical information was not provided (Guo et al., 2018); In silico analysis supports that this missense variant does not alter protein structure/function; This variant is associated with the following publications: (PMID: 30564305)

Literature cited by the submitters: PubMed 30564305 (cited by Labcorp Genetics (formerly Invitae), Labcorp).

NM_001378452.1(ITPR1):c.7583C>T (p.Thr2528Met)

Genes: ITPR1 (inositol 1,4,5-trisphosphate receptor type 1; plus strand), LOC126806590 (MED14-independent group 3 enhancer GRCh37_chr3:4855759-4856958; plus strand). Cytogenetic location: 3p26.1.
Variant type: single nucleotide variant.
Coding change: c.7583C>T on transcript NM_001378452.1 (MANE Select); coding-DNA position 7583, C replaced by T.
Protein change: p.Thr2528Met; replaces threonine 2528 with methionine.
Molecular consequence: missense variant.
Genome position (GRCh38, 1-based): chr3:4,814,444, C>T. VCF-style: chr3-4814444-C-T. GRCh37 (hg19) VCF-style: chr3-4856128-C-T.
Other names: c.7439C>T, p.Thr2480Met (NM_001099952.4); c.7538C>T, p.Thr2513Met (NM_001168272.2); c.7394C>T, p.Thr2465Met (NM_002222.7); short protein forms T2465M, T2480M, T2513M, T2528M.
Identifiers: ClinVar variation 1193046 (VCV001193046.8), dbSNP rs373614009, ClinGen allele CA2232914.